The following is an entry in ClinVar:

ClinVar aggregate classification (germline): Uncertain significance. Review status: criteria provided, multiple submitters, no conflicts (2 of 4 stars). 3 submissions from 3 submitters: Uncertain significance (3). Last evaluated 2024-12-05.

Conditions:
Endometrial carcinoma. Also called: Endometrial carcinoma, somatic. Identifiers: MedGen C0476089, MONDO:0002447, OMIM 608089, HP:0012114.
Hereditary cancer-predisposing syndrome. Also called: Hereditary neoplastic syndrome; Neoplastic Syndromes, Hereditary; Hereditary Cancer Syndrome; Tumor predisposition. Identifiers: Orphanet 140162, MedGen C0027672, MeSH D009386, MONDO:0015356.

Allele frequency attached by ClinVar (database versions not stated): gnomAD exomes 0.00001.
gnomAD v4.1: 3 of 1,614,146 alleles (0.00019%); highest among the groups gnomAD compares: East Asian, 0.0022%; no homozygotes.

Submissions (3):

Ambry Genetics
Classification: Uncertain significance for Hereditary cancer-predisposing syndrome. Last evaluated: 2024-12-05. Review status: criteria provided, single submitter. Criteria: Ambry Variant Classification Scheme 2023. Collection method: clinical testing. Allele origin: germline.
Comment: The p.R150G variant (also known as c.448A>G), located in coding exon 3 of the MSH3 gene, results from an A to G substitution at nucleotide position 448. The arginine at codon 150 is replaced by glycine, an amino acid with dissimilar properties. This amino acid position is well conserved in available vertebrate species. In addition, the in silico prediction for this alteration is inconclusive. Based on the available evidence, the clinical significance of this variant remains unclear.

Labcorp Genetics (formerly Invitae), Labcorp
Classification: Uncertain significance. Last evaluated: 2024-10-13. Review status: criteria provided, single submitter. Criteria: Invitae Variant Classification Sherloc (09022015). Collection method: clinical testing. Allele origin: germline.
Comment: This sequence change replaces arginine, which is basic and polar, with glycine, which is neutral and non-polar, at codon 150 of the MSH3 protein (p.Arg150Gly). This variant is not present in population databases (gnomAD no frequency). This variant has not been reported in the literature in individuals affected with MSH3-related conditions. ClinVar contains an entry for this variant (Variation ID: 660367). An algorithm developed to predict the effect of missense changes on protein structure and function (PolyPhen-2) suggests that this variant is likely to be disruptive. In summary, the available evidence is currently insufficient to determine the role of this variant in disease. Therefore, it has been classified as a Variant of Uncertain Significance.

Baylor Genetics
Classification: Uncertain significance for Endometrial carcinoma. Last evaluated: 2024-02-06. Review status: criteria provided, single submitter. Criteria: ACMG Guidelines, 2015. Collection method: clinical testing. Allele origin: unknown.

NM_002439.5(MSH3):c.448A>G (p.Arg150Gly)

Gene: MSH3 (mutS homolog 3; plus strand). Cytogenetic location: 5q14.1.
Variant type: single nucleotide variant.
Coding change: c.448A>G on transcript NM_002439.5 (MANE Select); coding-DNA position 448, A replaced by G.
Protein change: p.Arg150Gly; replaces arginine 150 with glycine.
Molecular consequence: missense variant.
Genome position (GRCh38, 1-based): chr5:80,665,232, A>G. VCF-style: chr5-80665232-A-G. GRCh37 (hg19) VCF-style: chr5-79961051-A-G.
Other names: short protein forms R150G.
Identifiers: ClinVar variation 660367 (VCV000660367.13), dbSNP rs1580546641, ClinGen allele CA360263483.
Genomic context (GRCh38, chr5:80,665,232, plus strand): 5'-GTTTCAAAGTCTCTGGAAAAATTGAAAGAATTCTGCTGCGATTCTGCCCTTCCTCAAAGT[A>G]GAGTCCAGACAGAATCTCTGCAGGAGAGATTTGCAGTTCTGCCAAAATGTACTGATTTTG-3'
Protein context (NP_002430.3, residues 140-160): FCCDSALPQS[Arg150Gly]VQTESLQERF